The following is an entry in ClinVar:

NM_024422.6(DSC2):c.448G>C (p.Gly150Arg)

Gene: DSC2 (desmocollin 2; minus strand). Cytogenetic location: 18q12.1.
Variant type: single nucleotide variant.
Coding change: c.448G>C on transcript NM_024422.6 (MANE Select); coding-DNA position 448, G replaced by C.
Protein change: p.Gly150Arg; replaces glycine 150 with arginine.
Molecular consequence: missense variant.
Genome position (GRCh38, 1-based): chr18:31,091,054, C>G on the plus strand (G>C on the coding strand, the complement: DSC2 is on the minus strand). VCF-style: chr18-31091054-C-G. GRCh37 (hg19) VCF-style: chr18-28671017-C-G.
Other names: c.448G>C, p.Gly150Arg (NM_004949.5); c.448G>C (NM_024422.3); short protein forms G150R.
Identifiers: ClinVar variation 1040530 (VCV001040530.9), dbSNP rs1220979594, ClinGen allele CA402114137.

ClinVar aggregate classification (germline): Uncertain significance. Review status: criteria provided, multiple submitters, no conflicts (2 of 4 stars). 2 submissions from 2 submitters: Uncertain significance (2). Last evaluated 2026-07-28.

Conditions:
Arrhythmogenic right ventricular dysplasia 11. Also called: Arrhythmogenic Right Ventricular Dysplasia/Cardiomyopathy11; ARRHYTHMOGENIC RIGHT VENTRICULAR DYSPLASIA, FAMILIAL, 11; Arrhythmogenic right ventricular dysplasia 11 with mild palmoplantar keratoderma and woolly hair. Identifiers: MedGen C1864850, MONDO:0012506, OMIM 610476.
Cardiovascular phenotype. Identifiers: MedGen CN230736.

Allele frequency attached by ClinVar (database versions not stated): gnomAD 0.00001; TOPMed below 0.00001.

Submissions (2):

Ambry Genetics
Classification: Uncertain significance for Cardiovascular phenotype. Last evaluated: 2026-07-28. Review status: criteria provided, single submitter. Criteria: Ambry Variant Classification Scheme 2023. Collection method: clinical testing. Allele origin: germline.
Comment: The p.G150R variant (also known as c.448G>C), located in coding exon 4 of the DSC2 gene, results from a G to C substitution at nucleotide position 448. The glycine at codon 150 is replaced by arginine, an amino acid with dissimilar properties. This amino acid position is conserved. In addition, the in silico prediction for this alteration is inconclusive. Based on the available evidence, the clinical significance of this variant remains unclear.

Labcorp Genetics (formerly Invitae), Labcorp
Classification: Uncertain significance for Arrhythmogenic right ventricular dysplasia 11. Last evaluated: 2023-07-10. Review status: criteria provided, single submitter. Criteria: Invitae Variant Classification Sherloc (09022015). Collection method: clinical testing. Allele origin: germline.
Comment: In summary, the available evidence is currently insufficient to determine the role of this variant in disease. Therefore, it has been classified as a Variant of Uncertain Significance. Advanced modeling of protein sequence and biophysical properties (such as structural, functional, and spatial information, amino acid conservation, physicochemical variation, residue mobility, and thermodynamic stability) performed at Invitae indicates that this missense variant is expected to disrupt DSC2 protein function. ClinVar contains an entry for this variant (Variation ID: 1040530). This variant has not been reported in the literature in individuals affected with DSC2-related conditions. This variant is not present in population databases (gnomAD no frequency). This sequence change replaces glycine, which is neutral and non-polar, with arginine, which is basic and polar, at codon 150 of the DSC2 protein (p.Gly150Arg).